The following is an entry in ClinVar:

ClinVar aggregate classification (germline): Uncertain significance (1 of 4 stars; one submission).

Conditions:
Congenital disorder of glycosylation, type Iaa. Also called: Congenital disorder of glycosylation, type 1aa. Identifiers: MedGen C4310727, MONDO:0014904, OMIM 617082.

Allele frequency attached by ClinVar (database versions not stated): gnomAD exomes 0.00001.
gnomAD v4.1: 18 of 1,540,574 alleles (0.0012%); highest among the groups gnomAD compares: African/African-American, 0.0027%; no homozygotes.

Submission:

Labcorp Genetics (formerly Invitae), Labcorp
Classification: Uncertain significance for Congenital disorder of glycosylation, type Iaa. Last evaluated: 2021-02-19. Review status: criteria provided, single submitter. Criteria: Invitae Variant Classification Sherloc (09022015). Collection method: clinical testing. Allele origin: germline.
Comment: In summary, the available evidence is currently insufficient to determine the role of this variant in disease. Therefore, it has been classified as a Variant of Uncertain Significance. Algorithms developed to predict the effect of missense changes on protein structure and function output the following: SIFT: "Tolerated"; PolyPhen-2: "Benign"; Align-GVGD: "Class C0". The serine amino acid residue is found in multiple mammalian species, suggesting that this missense change does not adversely affect protein function. These predictions have not been confirmed by published functional studies and their clinical significance is uncertain. This variant has not been reported in the literature in individuals with NUS1-related conditions. The frequency data for this variant in the population databases is considered unreliable, as metrics indicate poor data quality at this position in the ExAC database. This sequence change replaces proline with serine at codon 59 of the NUS1 protein (p.Pro59Ser). The proline residue is weakly conserved and there is a moderate physicochemical difference between proline and serine.

NM_138459.5(NUS1):c.175C>T (p.Pro59Ser)

Gene: NUS1 (NUS1 dehydrodolichyl diphosphate synthase subunit; plus strand). Cytogenetic location: 6q22.1.
Variant type: single nucleotide variant.
Coding change: c.175C>T on transcript NM_138459.5 (MANE Select); coding-DNA position 175, C replaced by T.
Protein change: p.Pro59Ser; replaces proline 59 with serine.
Molecular consequence: missense variant.
Genome position (GRCh38, 1-based): chr6:117,675,845, C>T. VCF-style: chr6-117675845-C-T. GRCh37 (hg19) VCF-style: chr6-117997008-C-T.
Other names: short protein forms P59S.
Identifiers: ClinVar variation 1432469 (VCV001432469.8), dbSNP rs764639190, ClinGen allele CA3977076.